The following is an entry in ClinVar:

ClinVar aggregate classification (germline): Uncertain significance (1 of 4 stars; one submission).

Submission:

Labcorp Genetics (formerly Invitae), Labcorp
Classification: Uncertain significance. Last evaluated: 2025-12-11. Review status: criteria provided, single submitter. Criteria: Invitae Variant Classification Sherloc (09022015). Collection method: clinical testing. Allele origin: germline.
Comment: This sequence change replaces serine, which is neutral and polar, with arginine, which is basic and polar, at codon 100 of the TNFRSF9 protein (p.Ser100Arg). This variant is not present in population databases (gnomAD no frequency). This variant has not been reported in the literature in individuals affected with TNFRSF9-related conditions. An algorithm developed to predict the effect of missense changes on protein structure and function outputs the following: PolyPhen-2: "Benign". The arginine amino acid residue is found in multiple mammalian species, which suggests that this missense change does not adversely affect protein function. In summary, the available evidence is currently insufficient to determine the role of this variant in disease. Therefore, it has been classified as a Variant of Uncertain Significance.

NM_001561.6(TNFRSF9):c.300C>G (p.Ser100Arg)

Gene: TNFRSF9 (TNF receptor superfamily member 9; minus strand). Cytogenetic location: 1p36.23.
Variant type: single nucleotide variant.
Coding change: c.300C>G on transcript NM_001561.6 (MANE Select); coding-DNA position 300, C replaced by G.
Protein change: p.Ser100Arg; replaces serine 100 with arginine.
Molecular consequence: missense variant.
Genome position (GRCh38, 1-based): chr1:7,938,239, G>C on the plus strand (C>G on the coding strand, the complement: TNFRSF9 is on the minus strand). VCF-style: chr1-7938239-G-C. GRCh37 (hg19) VCF-style: chr1-7998299-G-C.
Other names: short protein forms S100R.
Identifiers: ClinVar variation 4714605 (VCV004714605.1).